The following is an entry in ClinVar:

NM_024675.4(PALB2):c.790C>G (p.His264Asp)

Gene: PALB2 (partner and localizer of BRCA2; minus strand). Cytogenetic location: 16p12.2.
Variant type: single nucleotide variant.
Coding change: c.790C>G on transcript NM_024675.4 (MANE Select); coding-DNA position 790, C replaced by G.
Protein change: p.His264Asp; replaces histidine 264 with aspartic acid.
Molecular consequence: missense variant. On other transcripts: 5 prime UTR variant (8), intron variant (3).
Genome position (GRCh38, 1-based): chr16:23,635,756, G>C on the plus strand (C>G on the coding strand, the complement: PALB2 is on the minus strand). VCF-style: chr16-23635756-G-C. GRCh37 (hg19) VCF-style: chr16-23647077-G-C.
Other names: c.730C>G, p.His244Asp (NM_001407296.1); c.790C>G, p.His264Asp (NM_001407297.1, NM_001407298.1, NM_001407299.1 and 3 more transcripts); c.-96C>G (NM_001407304.1, NM_001407305.1, NM_001407306.1 and 5 more transcripts); c.48+5354C>G (NM_001407314.1); c.-104-5287C>G (NM_001407313.1, NM_001407312.1); short protein forms H264D, H244D.
Identifiers: ClinVar variation 3885176 (VCV003885176.1).

ClinVar aggregate classification (germline): Uncertain significance (1 of 4 stars; one submission).

Conditions:
Hereditary cancer-predisposing syndrome. Also called: Tumor predisposition; Neoplastic Syndromes, Hereditary; Hereditary Cancer Syndrome; Hereditary neoplastic syndrome. Identifiers: Orphanet 140162, MedGen C0027672, MeSH D009386, MONDO:0015356.

Submission:

Ambry Genetics
Classification: Uncertain significance for Hereditary cancer-predisposing syndrome. Last evaluated: 2025-03-11. Review status: criteria provided, single submitter. Criteria: Ambry Variant Classification Scheme 2023. Collection method: clinical testing. Allele origin: germline.
Comment: The p.H264D variant (also known as c.790C>G), located in coding exon 4 of the PALB2 gene, results from a C to G substitution at nucleotide position 790. The histidine at codon 264 is replaced by aspartic acid, an amino acid with similar properties. This amino acid position is conserved. In addition, this alteration is predicted to be tolerated by in silico analysis. Based on the available evidence, the clinical significance of this variant remains unclear.